The following is an entry in ClinVar:

ClinVar aggregate classification (germline): Uncertain significance. Review status: criteria provided, multiple submitters, no conflicts (2 of 4 stars). 4 submissions from 4 submitters: Uncertain significance (3). 1 of the submissions does not count toward it. Last evaluated 2026-02-01.

Conditions:
Agenesis of the corpus callosum with peripheral neuropathy (ACCPN). Also called: Hereditary Motor and Sensory Neuropathy with Agenesis of the Corpus Callosum; POLYNEUROPATHY, SENSORIMOTOR, WITH OR WITHOUT AGENESIS OF THE CORPUS CALLOSUM; HMSN/ACC; CHARLEVOIX DISEASE. Identifiers: Orphanet 1496, MedGen C0795950, MONDO:0000902, OMIM 218000. Disease mechanism: loss of function.
Inborn genetic diseases. Identifiers: MedGen C0950123, MeSH D030342.

Allele frequency attached by ClinVar (database versions not stated): gnomAD 0.00003 and 0.00005; TOPMed 0.00006; 1000 Genomes Project 30x 0.00016; 1000 Genomes Project 0.00020.
gnomAD v4.1: 81 of 1,609,872 alleles (0.005%); highest among the groups gnomAD compares: Middle Eastern, 0.033%; no homozygotes.

Submissions (4):

Labcorp Genetics (formerly Invitae), Labcorp
Classification: Uncertain significance. Last evaluated: 2026-02-01. Review status: criteria provided, single submitter. Criteria: Invitae Variant Classification Sherloc (09022015). Collection method: clinical testing. Allele origin: germline.
Comment: This sequence change replaces arginine, which is basic and polar, with histidine, which is basic and polar, at codon 152 of the SLC12A6 protein (p.Arg152His). This variant is present in population databases (rs200361670, gnomAD 0.03%). This variant has not been reported in the literature in individuals affected with SLC12A6-related conditions. ClinVar contains an entry for this variant (Variation ID: 989782). Invitae Evidence Modeling of protein sequence and biophysical properties (such as structural, functional, and spatial information, amino acid conservation, physicochemical variation, residue mobility, and thermodynamic stability) indicates that this missense variant is not expected to disrupt SLC12A6 protein function with a negative predictive value of 80%. In summary, the available evidence is currently insufficient to determine the role of this variant in disease. Therefore, it has been classified as a Variant of Uncertain Significance.

Ambry Genetics
Classification: Uncertain significance for Inborn genetic diseases. Last evaluated: 2023-12-02. Review status: criteria provided, single submitter. Criteria: Ambry Variant Classification Scheme 2023. Collection method: clinical testing. Allele origin: germline.
Comment: The p.R152H variant (also known as c.455G>A), located in coding exon 4 of the SLC12A6 gene, results from a G to A substitution at nucleotide position 455. The arginine at codon 152 is replaced by histidine, an amino acid with highly similar properties. This amino acid position is conserved. In addition, this alteration is predicted to be deleterious by in silico analysis. Since supporting evidence is limited at this time, the clinical significance of this alteration remains unclear.

Mayo Clinic Laboratories, Mayo Clinic
Classification: Uncertain significance. Last evaluated: 2020-04-23. Review status: criteria provided, single submitter. Criteria: ACMG Guidelines, 2015. Collection method: clinical testing. Allele origin: germline. Observed: 1 variant allele.

Natera, Inc.
Classification: Uncertain significance for Andermann syndrome. Last evaluated: 2020-04-18. Review status: no assertion criteria provided. Collection method: clinical testing. Allele origin: germline. Not counted in ClinVar's aggregate classification.

NM_001365088.1(SLC12A6):c.455G>A (p.Arg152His)

Gene: SLC12A6 (solute carrier family 12 member 6; minus strand). Cytogenetic location: 15q14.
Variant type: single nucleotide variant.
Coding change: c.455G>A on transcript NM_001365088.1 (MANE Select); coding-DNA position 455, G replaced by A.
Protein change: p.Arg152His; replaces arginine 152 with histidine.
Molecular consequence: missense variant.
Genome position (GRCh38, 1-based): chr15:34,258,901, C>T on the plus strand (G>A on the coding strand, the complement: SLC12A6 is on the minus strand). VCF-style: chr15-34258901-C-T. GRCh37 (hg19) VCF-style: chr15-34551102-C-T.
Other names: c.278G>A, p.Arg93His (NM_001042494.2, NM_001042495.2); c.428G>A, p.Arg143His (NM_001042496.2); c.410G>A, p.Arg137His (NM_001042497.2); c.302G>A, p.Arg101His (NM_005135.2); c.455G>A, p.Arg152His (NM_133647.2); short protein forms R101H, R137H, R143H, R152H, R93H.
Identifiers: ClinVar variation 989782 (VCV000989782.9), dbSNP rs200361670, ClinGen allele CA7464561.